The following is an entry in ClinVar:

NM_003482.4(KMT2D):c.15827A>G (p.Lys5276Arg)

Gene: KMT2D (lysine methyltransferase 2D; minus strand). Cytogenetic location: 12q13.12.
Variant type: single nucleotide variant.
Coding change: c.15827A>G on transcript NM_003482.4 (MANE Select); coding-DNA position 15827, A replaced by G.
Protein change: p.Lys5276Arg; replaces lysine 5276 with arginine.
Molecular consequence: missense variant.
Genome position (GRCh38, 1-based): chr12:49,024,904, T>C on the plus strand (A>G on the coding strand, the complement: KMT2D is on the minus strand). VCF-style: chr12-49024904-T-C. GRCh37 (hg19) VCF-style: chr12-49418687-T-C.
Other names: short protein forms K5276R.
Identifiers: ClinVar variation 3615530 (VCV003615530.2).

ClinVar aggregate classification (germline): Uncertain significance (1 of 4 stars; one submission).

Conditions:
Kabuki syndrome. Also called: NIIKAWA-KUROKI SYNDROME; Kabuki make-up syndrome. Identifiers: Orphanet 2322, MedGen C0796004, MONDO:0016512.

gnomAD v4.1: 2 of 1,601,298 alleles (0.00012%); highest among the groups gnomAD compares: African/African-American, 0.0013%; no homozygotes.

Submission:

Labcorp Genetics (formerly Invitae), Labcorp
Classification: Uncertain significance for Kabuki syndrome. Last evaluated: 2025-03-01. Review status: criteria provided, single submitter. Criteria: Invitae Variant Classification Sherloc (09022015). Collection method: clinical testing. Allele origin: germline.
Comment: This sequence change replaces lysine, which is basic and polar, with arginine, which is basic and polar, at codon 5276 of the KMT2D protein (p.Lys5276Arg). This variant is not present in population databases (gnomAD no frequency). This variant has not been reported in the literature in individuals affected with KMT2D-related conditions. Invitae Evidence Modeling of protein sequence and biophysical properties (such as structural, functional, and spatial information, amino acid conservation, physicochemical variation, residue mobility, and thermodynamic stability) indicates that this missense variant is not expected to disrupt KMT2D protein function with a negative predictive value of 95%. In summary, the available evidence is currently insufficient to determine the role of this variant in disease. Therefore, it has been classified as a Variant of Uncertain Significance.